The following is an entry in ClinVar:

NM_004211.5(SLC6A5):c.1077C>T (p.Phe359=)

Gene: SLC6A5 (solute carrier family 6 member 5; plus strand). Cytogenetic location: 11p15.1.
Variant type: single nucleotide variant.
Coding change: c.1077C>T on transcript NM_004211.5 (MANE Select); coding-DNA position 1077, C replaced by T.
Protein change: p.Phe359=; no amino-acid change (phenylalanine 359 retained).
Molecular consequence: synonymous variant.
Genome position (GRCh38, 1-based): chr11:20,614,770, C>T. VCF-style: chr11-20614770-C-T. GRCh37 (hg19) VCF-style: chr11-20636316-C-T.
Other names: c.375C>T, p.Phe125= (NM_001318369.2); c.1077C>T (NM_004211.4).
Identifiers: ClinVar variation 1459317 (VCV001459317.10), dbSNP rs111388315, ClinGen allele CA5921303.
Genomic context (GRCh38, chr11:20,614,770, plus strand): 5'-ACAGATCAAGAACTCGACTTTCTGCATGACCGCTTATCCCAACGTGACAATGGTTAATTT[C>T]ACCAGCCAGGCCAATAAGACATTTGTCAGTGGAAGTGAAGAGTACTTCAAGTAAGATGAC-3'
Protein context (NP_004202.4, residues 349-369): TAYPNVTMVN[Phe359=]TSQANKTFVS

ClinVar aggregate classification (germline): Likely benign. Review status: criteria provided, single submitter (1 of 4 stars). 2 submissions from 2 submitters: Likely benign (1). 1 of the submissions does not count toward it. Last evaluated 2026-01-05.

Conditions:
Hyperekplexia 3 (HKPX3). Also called: HYPEREKPLEXIA 3, AUTOSOMAL RECESSIVE; HYPEREKPLEXIA 3, AUTOSOMAL DOMINANT. Identifiers: Orphanet 3197, MedGen C3553288, MONDO:0013827, OMIM 614618.
SLC6A5-related disorder. Also called: SLC6A5-related condition.

Allele frequency attached by ClinVar (database versions not stated): gnomAD exomes 0.00002 and 0.00005; ExAC 0.00006; gnomAD 0.00019 and 0.00020; TOPMed 0.00025; ESP Exome Variant Server 0.00031.
gnomAD v4.1: 62 of 1,613,902 alleles (0.0038%); highest among the groups gnomAD compares: African/African-American, 0.065%; no homozygotes.

Submissions (2):

Labcorp Genetics (formerly Invitae), Labcorp
Classification: Likely benign for Hyperekplexia 3. Last evaluated: 2026-01-05. Review status: criteria provided, single submitter. Criteria: Invitae Variant Classification Sherloc (09022015). Collection method: clinical testing. Allele origin: germline.

PreventionGenetics, part of Exact Sciences
Classification: Likely benign for SLC6A5-related condition. Last evaluated: 2019-07-12. Review status: no assertion criteria provided. Collection method: clinical testing. Allele origin: germline. Not counted in ClinVar's aggregate classification.
Comment: This variant is classified as likely benign based on ACMG/AMP sequence variant interpretation guidelines (Richards et al. 2015 PMID: 25741868, with internal and published modifications).